The following is an entry in ClinVar:

ClinVar aggregate classification (germline): Uncertain significance. Review status: criteria provided, multiple submitters, no conflicts (2 of 4 stars). 3 submissions from 3 submitters: Uncertain significance (3). Last evaluated 2025-06-02.

Conditions:
Hereditary cancer-predisposing syndrome. Also called: Hereditary neoplastic syndrome; Neoplastic Syndromes, Hereditary; Tumor predisposition; Hereditary Cancer Syndrome. Identifiers: Orphanet 140162, MedGen C0027672, MeSH D009386, MONDO:0015356.
Intellectual disability, autosomal dominant 16 (CSS4). Also called: COFFIN-SIRIS SYNDROME 4. Identifiers: Orphanet 1465, MedGen C3553249, MONDO:0013821, OMIM 614609.
Rhabdoid tumor predisposition syndrome 2 (RTPS2). Identifiers: Orphanet 231108, Orphanet 69077, MedGen C2750074, MONDO:0013224, OMIM 613325.

Allele frequency attached by ClinVar (database versions not stated): gnomAD exomes below 0.00001.
gnomAD v4.1: 3 of 1,612,374 alleles (0.00019%); highest among the groups gnomAD compares: Non-Finnish European, 0.00025%; no homozygotes.

Submissions (3):

Ambry Genetics
Classification: Uncertain significance for Hereditary cancer-predisposing syndrome. Last evaluated: 2025-06-02. Review status: criteria provided, single submitter. Criteria: Ambry Variant Classification Scheme 2023. Collection method: clinical testing. Allele origin: germline.
Comment: The p.A1352V variant (also known as c.4055C>T), located in coding exon 28 of the SMARCA4 gene, results from a C to T substitution at nucleotide position 4055. The alanine at codon 1352 is replaced by valine, an amino acid with similar properties. This amino acid position is highly conserved in available vertebrate species. In addition, the in silico prediction for this alteration is inconclusive. Since supporting evidence is limited at this time, the clinical significance of this alteration remains unclear.

Labcorp Genetics (formerly Invitae), Labcorp
Classification: Uncertain significance for Rhabdoid tumor predisposition syndrome 2. Last evaluated: 2025-02-10. Review status: criteria provided, single submitter. Criteria: Invitae Variant Classification Sherloc (09022015). Collection method: clinical testing. Allele origin: germline.
Comment: This sequence change replaces alanine, which is neutral and non-polar, with valine, which is neutral and non-polar, at codon 1352 of the SMARCA4 protein (p.Ala1352Val). This variant is not present in population databases (gnomAD no frequency). This variant has not been reported in the literature in individuals affected with SMARCA4-related conditions. ClinVar contains an entry for this variant (Variation ID: 565455). Invitae Evidence Modeling of protein sequence and biophysical properties (such as structural, functional, and spatial information, amino acid conservation, physicochemical variation, residue mobility, and thermodynamic stability) has been performed for this missense variant. However, the output from this modeling did not meet the statistical confidence thresholds required to predict the impact of this variant on SMARCA4 protein function. In summary, the available evidence is currently insufficient to determine the role of this variant in disease. Therefore, it has been classified as a Variant of Uncertain Significance.

Genome-Nilou Lab
Classification: Uncertain significance for Intellectual disability, autosomal dominant 16. Last evaluated: 2021-07-15. Review status: criteria provided, single submitter. Criteria: ACMG Guidelines, 2015. Collection method: clinical testing. Allele origin: germline. Affected: no.

NM_003072.5(SMARCA4):c.4055C>T (p.Ala1352Val)

Gene: SMARCA4 (SWI/SNF related BAF chromatin remodeling complex subunit ATPase 4; plus strand). Cytogenetic location: 19p13.2.
Variant type: single nucleotide variant.
Coding change: c.4055C>T on transcript NM_003072.5 (MANE Select); coding-DNA position 4055, C replaced by T.
Protein change: p.Ala1352Val; replaces alanine 1352 with valine.
Molecular consequence: missense variant. On other transcripts: non-coding transcript variant (1).
Genome position (GRCh38, 1-based): chr19:11,035,017, C>T. VCF-style: chr19-11035017-C-T. GRCh37 (hg19) VCF-style: chr19-11145693-C-T.
Other names: c.4055C>T, p.Ala1352Val (NM_001128844.3, NM_001128849.3, NM_001387283.1); c.3956C>T, p.Ala1319Val (NM_001128845.2, NM_001128846.2, NM_001128847.4 and 2 more transcripts); short protein forms A1352V, A1319V.
Identifiers: ClinVar variation 565455 (VCV000565455.18), dbSNP rs1568514549, ClinGen allele CA404068217.